The following is an entry in ClinVar:

ClinVar aggregate classification (germline): Uncertain significance (1 of 4 stars; one submission).

Submission:

Labcorp Genetics (formerly Invitae), Labcorp
Classification: Uncertain significance. Last evaluated: 2024-07-12. Review status: criteria provided, single submitter. Criteria: Invitae Variant Classification Sherloc (09022015). Collection method: clinical testing. Allele origin: germline.
Comment: This sequence change replaces methionine, which is neutral and non-polar, with isoleucine, which is neutral and non-polar, at codon 365 of the TFRC protein (p.Met365Ile). This variant is not present in population databases (gnomAD no frequency). This variant has not been reported in the literature in individuals affected with TFRC-related conditions. Advanced modeling of protein sequence and biophysical properties (such as structural, functional, and spatial information, amino acid conservation, physicochemical variation, residue mobility, and thermodynamic stability) performed at Invitae indicates that this missense variant is not expected to disrupt TFRC protein function with a negative predictive value of 80%. In summary, the available evidence is currently insufficient to determine the role of this variant in disease. Therefore, it has been classified as a Variant of Uncertain Significance.

NM_001128148.3(TFRC):c.1095G>A (p.Met365Ile)

Gene: TFRC (transferrin receptor; minus strand). Cytogenetic location: 3q29.
Variant type: single nucleotide variant.
Coding change: c.1095G>A on transcript NM_001128148.3 (MANE Select); coding-DNA position 1095, G replaced by A.
Protein change: p.Met365Ile; replaces methionine 365 with isoleucine.
Molecular consequence: missense variant.
Genome position (GRCh38, 1-based): chr3:196,065,546, C>T on the plus strand (G>A on the coding strand, the complement: TFRC is on the minus strand). VCF-style: chr3-196065546-C-T. GRCh37 (hg19) VCF-style: chr3-195792417-C-T.
Other names: c.852G>A, p.Met284Ile (NM_001313965.2); c.249G>A, p.Met83Ile (NM_001313966.2); c.1095G>A, p.Met365Ile (NM_003234.4); short protein forms M284I, M83I, M365I.
Identifiers: ClinVar variation 3659304 (VCV003659304.2).
Genomic context (GRCh38, chr3:196,065,546, plus strand): 5'-TTTTATCTCTTTCAGCACATTGCTCACAGTGAGCTTCACATTCTTGCTTTCTGAGGTTAC[C>T]ATCCTACATGTAGAGTCTGTTTTCCAGTCAGAGGGACAGTCTCCTTCCATATTCCTAGAA-3'
Protein context (NP_001121620.1, residues 355-375): SDWKTDSTCR[Met365Ile]VTSESKNVKL